The following is an entry in ClinVar:

NM_017534.6(MYH2):c.5105A>G (p.Glu1702Gly)

Genes: MYH2 (myosin heavy chain 2; minus strand), MYHAS (myosin heavy chain gene cluster antisense RNA; plus strand), LOC126862500 (BRD4-independent group 4 enhancer GRCh37_chr17:10427829-10429028; plus strand). Cytogenetic location: 17p13.1.
Variant type: single nucleotide variant.
Coding change: c.5105A>G on transcript NM_017534.6 (MANE Select); coding-DNA position 5105, A replaced by G.
Protein change: p.Glu1702Gly; replaces glutamic acid 1702 with glycine.
Molecular consequence: missense variant.
Genome position (GRCh38, 1-based): chr17:10,524,536, T>C on the plus strand (A>G on the coding strand, the complement: MYH2 is on the minus strand). VCF-style: chr17-10524536-T-C. GRCh37 (hg19) VCF-style: chr17-10427853-T-C.
Other names: c.5105A>G, p.Glu1702Gly (NM_001100112.2); short protein forms E1702G.
Identifiers: ClinVar variation 1524564 (VCV001524564.8), dbSNP rs769912069, ClinGen allele CA8390493.

ClinVar aggregate classification (germline): Uncertain significance (1 of 4 stars; one submission).

Conditions:
Myopathy, proximal, and ophthalmoplegia (CMYO6). Also called: MYOPATHY WITH CONGENITAL JOINT CONTRACTURES, OPHTHALMOPLEGIA, AND RIMMED VACUOLES; INCLUSION BODY MYOPATHY 3, AUTOSOMAL DOMINANT; CONGENITAL MYOPATHY 6 WITH OPHTHALMOPLEGIA. Identifiers: Orphanet 363677, Orphanet 79091, MedGen C1854106, MONDO:0011577, OMIM 605637.

Allele frequency attached by ClinVar (database versions not stated): gnomAD 0.00001; gnomAD exomes 0.00001 and 0.00004; ExAC 0.00003.
gnomAD v4.1: 22 of 1,614,130 alleles (0.0014%); highest among the groups gnomAD compares: South Asian, 0.023%; no homozygotes.

Submission:

Labcorp Genetics (formerly Invitae), Labcorp
Classification: Uncertain significance for Myopathy, proximal, and ophthalmoplegia. Last evaluated: 2025-11-10. Review status: criteria provided, single submitter. Criteria: Invitae Variant Classification Sherloc (09022015). Collection method: clinical testing. Allele origin: germline.
Comment: This sequence change replaces glutamic acid, which is acidic and polar, with glycine, which is neutral and non-polar, at codon 1702 of the MYH2 protein (p.Glu1702Gly). This variant is present in population databases (rs769912069, gnomAD 0.03%). This variant has not been reported in the literature in individuals affected with MYH2-related conditions. ClinVar contains an entry for this variant (Variation ID: 1524564). Invitae Evidence Modeling of protein sequence and biophysical properties (such as structural, functional, and spatial information, amino acid conservation, physicochemical variation, residue mobility, and thermodynamic stability) indicates that this missense variant is not expected to disrupt MYH2 protein function with a negative predictive value of 80%. In summary, the available evidence is currently insufficient to determine the role of this variant in disease. Therefore, it has been classified as a Variant of Uncertain Significance.